The following is an entry in ClinVar:

ClinVar aggregate classification (germline): Uncertain significance (1 of 4 stars; one submission).

Submission:

Labcorp Genetics (formerly Invitae), Labcorp
Classification: Uncertain significance. Last evaluated: 2023-09-20. Review status: criteria provided, single submitter. Criteria: Invitae Variant Classification Sherloc (09022015). Collection method: clinical testing. Allele origin: germline.
Comment: This variant has not been reported in the literature in individuals affected with DSCAML1-related conditions. In summary, the available evidence is currently insufficient to determine the role of this variant in disease. Therefore, it has been classified as a Variant of Uncertain Significance. An algorithm developed to predict the effect of missense changes on protein structure and function (PolyPhen-2) suggests that this variant is likely to be disruptive. This variant is not present in population databases (gnomAD no frequency). This sequence change replaces arginine, which is basic and polar, with glycine, which is neutral and non-polar, at codon 2002 of the DSCAML1 protein (p.Arg2002Gly).

NM_020693.4(DSCAML1):c.5824C>G (p.Arg1942Gly)

Gene: DSCAML1 (DS cell adhesion molecule like 1; minus strand). Cytogenetic location: 11q23.3.
Variant type: single nucleotide variant.
Coding change: c.5824C>G on transcript NM_020693.4 (MANE Select); coding-DNA position 5824, C replaced by G.
Protein change: p.Arg1942Gly; replaces arginine 1942 with glycine.
Molecular consequence: missense variant.
Genome position (GRCh38, 1-based): chr11:117,428,666, G>C on the plus strand (C>G on the coding strand, the complement: DSCAML1 is on the minus strand). VCF-style: chr11-117428666-G-C. GRCh37 (hg19) VCF-style: chr11-117299382-G-C.
Other names: short protein forms R1942G.
Identifiers: ClinVar variation 2976569 (VCV002976569.3), dbSNP rs753066184, ClinGen allele CA382751329.